The following is an entry in ClinVar:

ClinVar aggregate classification (germline): Uncertain significance (1 of 4 stars; one submission).

Conditions:
Catecholaminergic polymorphic ventricular tachycardia 1. Also called: RYR2-Related Catecholaminergic Polymorphic Ventricular Tachycardia; VENTRICULAR TACHYCARDIA, CATECHOLAMINERGIC POLYMORPHIC, 1, WITH OR WITHOUT ATRIAL DYSFUNCTION AND/OR DILATED CARDIOMYOPATHY; VENTRICULAR TACHYCARDIA, STRESS-INDUCED POLYMORPHIC 1. Identifiers: Orphanet 3286, MedGen C1631597, MONDO:0011484, OMIM 604772.

Submission:

Labcorp Genetics (formerly Invitae), Labcorp
Classification: Uncertain significance for Catecholaminergic polymorphic ventricular tachycardia 1. Last evaluated: 2022-08-22. Review status: criteria provided, single submitter. Criteria: Invitae Variant Classification Sherloc (09022015). Collection method: clinical testing. Allele origin: unknown.
Comment: In summary, the available evidence is currently insufficient to determine the role of this variant in disease. Therefore, it has been classified as a Variant of Uncertain Significance. This variant has not been reported in the literature in individuals affected with RYR2-related conditions. This variant is a gross deletion of the genomic region encompassing exon(s) 26-27 of the RYR2 gene. This deletion is out-of-frame, and is expected to create a premature translational stop signal and result in an absent or disrupted protein product. However, the current clinical and genetic evidence is not sufficient to establish whether loss-of-function variants in RYR2 cause disease.

NC_000001.10:g.(?_237711711)_(237714011_?)del

Gene: RYR2 (ryanodine receptor 2; plus strand). Cytogenetic location: 1q43.
Variant type: Deletion.
Identifiers: ClinVar variation 3247728 (VCV003247728.1).